The following is an entry in ClinVar:

ClinVar aggregate classification (germline): Uncertain significance (1 of 4 stars; one submission).

Conditions:
Multiple endocrine neoplasia, type 1 (MEN1). Also called: MEN I; WERMER SYNDROME; Endocrine adenomatosis multiple; MEN 1; MEA I. Identifiers: Orphanet 652, MedGen C0025267, MeSH D018761, MONDO:0007540, OMIM 131100.

Submission:

Labcorp Genetics (formerly Invitae), Labcorp
Classification: Uncertain significance for Multiple endocrine neoplasia, type 1. Last evaluated: 2021-11-15. Review status: criteria provided, single submitter. Criteria: Invitae Variant Classification Sherloc (09022015). Collection method: clinical testing. Allele origin: germline.
Comment: This sequence change replaces proline, which is neutral and non-polar, with leucine, which is neutral and non-polar, at codon 72 of the MEN1 protein (p.Pro72Leu). This variant is not present in population databases (gnomAD no frequency). This variant has not been reported in the literature in individuals affected with MEN1-related conditions. Advanced modeling of protein sequence and biophysical properties (such as structural, functional, and spatial information, amino acid conservation, physicochemical variation, residue mobility, and thermodynamic stability) performed at Invitae indicates that this missense variant is not expected to disrupt MEN1 protein function. In summary, the available evidence is currently insufficient to determine the role of this variant in disease. Therefore, it has been classified as a Variant of Uncertain Significance.

NM_001370259.2(MEN1):c.215C>T (p.Pro72Leu)

Gene: MEN1 (menin 1; minus strand). Cytogenetic location: 11q13.1.
Variant type: single nucleotide variant.
Coding change: c.215C>T on transcript NM_001370259.2 (MANE Select); coding-DNA position 215, C replaced by T.
Protein change: p.Pro72Leu; replaces proline 72 with leucine.
Molecular consequence: missense variant.
Genome position (GRCh38, 1-based): chr11:64,809,895, G>A on the plus strand (C>T on the coding strand, the complement: MEN1 is on the minus strand). VCF-style: chr11-64809895-G-A. GRCh37 (hg19) VCF-style: chr11-64577367-G-A.
Other names: c.215C>T, p.Pro72Leu (NM_000244.4, NM_001370251.2, NM_001370260.2 and 9 more transcripts); short protein forms P72L.
Identifiers: ClinVar variation 1391435 (VCV001391435.6), dbSNP rs878856863, ClinGen allele CA381187629.
Genomic context (GRCh38, chr11:64,809,895, plus strand): 5'-CGGGCATAGAGGGCGGCGATGATAGACAGGTCGGCCACGGGAAAGTAGGTGAGGCCGCCA[G>A]GCGGGTCGGGGGCGGGGCTGGGCTGGAAGGTGAGCTCGGGAACGTTGGTAGGGATGACGC-3'
Protein context (NP_001357188.2, residues 62-82): TFQPSPAPDP[Pro72Leu]GGLTYFPVAD